The following is an entry in ClinVar:

ClinVar aggregate classification (germline): Uncertain significance (1 of 4 stars; one submission).

Conditions:
Epileptic encephalopathy. Identifiers: MedGen C0543888, HP:0200134.

Allele frequency attached by ClinVar (database versions not stated): TOPMed below 0.00001; gnomAD exomes below 0.00001.
gnomAD v4.1: 1 of 1,613,602 alleles (0.000062%); highest among the groups gnomAD compares: Non-Finnish European, 0.000085%; no homozygotes.

Submission:

Labcorp Genetics (formerly Invitae), Labcorp
Classification: Uncertain significance for Epileptic encephalopathy. Last evaluated: 2022-07-26. Review status: criteria provided, single submitter. Criteria: Invitae Variant Classification Sherloc (09022015). Collection method: clinical testing. Allele origin: germline.
Comment: In summary, the available evidence is currently insufficient to determine the role of this variant in disease. Therefore, it has been classified as a Variant of Uncertain Significance. Algorithms developed to predict the effect of missense changes on protein structure and function are either unavailable or do not agree on the potential impact of this missense change (SIFT: "Deleterious"; PolyPhen-2: "Benign"; Align-GVGD: "Class C0"). ClinVar contains an entry for this variant (Variation ID: 842109). This variant has not been reported in the literature in individuals affected with RYR3-related conditions. This variant is not present in population databases (gnomAD no frequency). This sequence change replaces glutamine, which is neutral and polar, with glutamic acid, which is acidic and polar, at codon 2712 of the RYR3 protein (p.Gln2712Glu).

NM_001036.6(RYR3):c.8134C>G (p.Gln2712Glu)

Gene: RYR3 (ryanodine receptor 3; plus strand). Cytogenetic location: 15q14.
Variant type: single nucleotide variant.
Coding change: c.8134C>G on transcript NM_001036.6 (MANE Select); coding-DNA position 8134, C replaced by G.
Protein change: p.Gln2712Glu; replaces glutamine 2712 with glutamic acid.
Molecular consequence: missense variant.
Genome position (GRCh38, 1-based): chr15:33,748,258, C>G. VCF-style: chr15-33748258-C-G. GRCh37 (hg19) VCF-style: chr15-34040459-C-G.
Other names: c.8134C>G, p.Gln2712Glu (NM_001243996.4); short protein forms Q2712E.
Identifiers: ClinVar variation 842109 (VCV000842109.9), dbSNP rs1933408860, ClinGen allele CA391583180.
Genomic context (GRCh38, chr15:33,748,258, plus strand): 5'-GGAGAAGCTTTGGTTCAACAGCGGGAAAATGAGAAGCTTCGAAGTGTGTCCCAGGCCAAC[C>G]AGGTATGACACCACACCCAGAGGCCCACGCTGGGCCGATGGAAGCCATGGAGAATCTGGG-3'
Protein context (NP_001027.3, residues 2702-2722): EKLRSVSQAN[Gln2712Glu]GNSYSPAPLD